The following is an entry in ClinVar:

ClinVar aggregate classification (germline): Pathogenic (1 of 4 stars; one submission).

Conditions:
Gamma-aminobutyric acid transaminase deficiency (GABATD). Also called: GABA transaminase deficiency; Gamma aminobutyrate transaminase deficiency; 4 alpha aminobutyrate transaminase deficiency; GABA aminotransaminase deficiency. Identifiers: Orphanet 2066, MedGen C0342708, MONDO:0013166, OMIM 613163.

Allele frequency attached by ClinVar (database versions not stated): gnomAD exomes below 0.00001.

Submission:

Labcorp Genetics (formerly Invitae), Labcorp
Classification: Pathogenic for Gamma-aminobutyric acid transaminase deficiency. Last evaluated: 2022-07-30. Review status: criteria provided, single submitter. Criteria: Invitae Variant Classification Sherloc (09022015). Collection method: clinical testing. Allele origin: germline.
Comment: For these reasons, this variant has been classified as Pathogenic. This variant has not been reported in the literature in individuals affected with ABAT-related conditions. This variant is not present in population databases (gnomAD no frequency). This sequence change creates a premature translational stop signal (p.Arg92*) in the ABAT gene. It is expected to result in an absent or disrupted protein product. Loss-of-function variants in ABAT are known to be pathogenic (PMID: 20052547, 25738457).

Literature cited by the submitters: PubMed 20052547; PubMed 25738457.

NM_020686.6(ABAT):c.274C>T (p.Arg92Ter)

Gene: ABAT (4-aminobutyrate aminotransferase; plus strand). Cytogenetic location: 16p13.2.
Variant type: single nucleotide variant.
Coding change: c.274C>T on transcript NM_020686.6 (MANE Select); coding-DNA position 274, C replaced by T.
Protein change: p.Arg92Ter; replaces arginine 92 with a stop codon.
Molecular consequence: nonsense. On other transcripts: intron variant (1).
Genome position (GRCh38, 1-based): chr16:8,750,497, C>T. VCF-style: chr16-8750497-C-T. GRCh37 (hg19) VCF-style: chr16-8844354-C-T.
Other names: c.274C>T, p.Arg92Ter (NM_000663.5, NM_001127448.2, NM_001386600.1 and 11 more transcripts); c.139C>T, p.Arg47Ter (NM_001386610.1, NM_001386611.1, NM_001386612.1 and 1 more transcripts); c.71-7260C>T (NM_001386614.1); short protein forms R47*, R92*.
Identifiers: ClinVar variation 2012439 (VCV002012439.4), dbSNP rs2549024989, ClinGen allele CA394687906.
Genomic context (GRCh38, chr16:8,750,497, plus strand): 5'-CATTTTTTCTGCAATTACGAAGAGAGCCGAGGCAATTACCTGGTTGATGTGGACGGCAAC[C>T]GAATGCTGGATCTTTATTCCCAGATCTCCTCTGTCCCCATAGGTAAGAGCTGGGAAATCA-3'